The following is an entry in ClinVar:

NM_006648.4(WNK2):c.6604C>T (p.Pro2202Ser)

Gene: WNK2 (WNK lysine deficient protein kinase 2; plus strand). Cytogenetic location: 9q22.31.
Variant type: single nucleotide variant.
Coding change: c.6604C>T on transcript NM_006648.4 (MANE Select); coding-DNA position 6604, C replaced by T.
Protein change: p.Pro2202Ser; replaces proline 2202 with serine.
Molecular consequence: missense variant.
Genome position (GRCh38, 1-based): chr9:93,317,607, C>T. VCF-style: chr9-93317607-C-T. GRCh37 (hg19) VCF-style: chr9-96079889-C-T.
Other names: c.6715C>T, p.Pro2239Ser (NM_001282394.3); short protein forms P2202S, P2239S.
Identifiers: ClinVar variation 4866573 (VCV004866573.1).

ClinVar aggregate classification (germline): Uncertain significance (1 of 4 stars; one submission).

Submission:

Ambry Genetics
Classification: Uncertain significance. Last evaluated: 2026-04-10. Review status: criteria provided, single submitter. Criteria: Ambry Variant Classification Scheme 2023. Collection method: clinical testing. Allele origin: germline.
Comment: The p.P2202S variant (also known as c.6604C>T), located in coding exon 28 of the WNK2 gene, results from a C to T substitution at nucleotide position 6604. The proline at codon 2202 is replaced by serine, an amino acid with similar properties. This amino acid position is conserved. In addition, this alteration is predicted to be tolerated by in silico analysis. Based on the available evidence, the clinical significance of this variant remains unclear.